The following is an entry in ClinVar:

ClinVar aggregate classification (germline): Likely benign. Review status: reviewed by expert panel (3 of 4 stars). 8 submissions from 8 submitters: Likely benign (1). 7 of the submissions do not count toward it. Last evaluated 2017-06-29.

Conditions:
Hereditary cancer-predisposing syndrome. Also called: Hereditary Cancer Syndrome; Hereditary neoplastic syndrome; Tumor predisposition; Neoplastic Syndromes, Hereditary. Identifiers: Orphanet 140162, MedGen C0027672, MeSH D009386, MONDO:0015356.
Hereditary breast ovarian cancer syndrome. Also called: Hereditary breast and ovarian cancer syndrome; Hereditary breast and ovarian cancer syndrome (HBOC); BRCA1- and BRCA2-Associated Hereditary Breast and Ovarian Cancer; Breast and ovarian cancer; Hereditary breast and ovarian cancer; Hereditary breast and/or ovarian cancer syndrome. Identifiers: Orphanet 145, MedGen C0677776, MeSH D061325, MONDO:0003582. Disease mechanism: loss of function.
Breast-ovarian cancer, familial, susceptibility to, 1 (BROVCA1). Also called: OVARIAN CANCER, SUSCEPTIBILITY TO; BRCA1 Hereditary Breast and Ovarian Cancer. Identifiers: Orphanet 145, MedGen C2676676, MONDO:0011450, OMIM 604370. Disease mechanism: loss of function.

Allele frequency attached by ClinVar (database versions not stated): gnomAD exomes below 0.00001 and 0.00001; gnomAD 0.00001.
gnomAD v4.1: 22 of 1,613,926 alleles (0.0014%); highest among the groups gnomAD compares: Non-Finnish European, 0.0017%; no homozygotes.

Submissions (8):

Evidence-based Network for the Interpretation of Germline Mutant Alleles (ENIGMA)
Classification: Likely benign for Breast-ovarian cancer, familial, susceptibility to, 1. Last evaluated: 2017-06-29. Review status: reviewed by expert panel. Criteria: ENIGMA BRCA1/2 Classification Criteria (2017-06-29). Collection method: curation. Allele origin: germline.
Comment: Synonymous substitution variant, with low bioinformatic likelihood to result in a splicing aberration (Splicing prior probability 0.02).

Labcorp Genetics (formerly Invitae), Labcorp
Classification: Likely benign for Hereditary breast ovarian cancer syndrome. Last evaluated: 2026-01-04. Review status: criteria provided, single submitter. Criteria: Invitae Variant Classification Sherloc (09022015). Collection method: clinical testing. Allele origin: germline. Not counted in ClinVar's aggregate classification.

All of Us Research Program, National Institutes of Health
Classification: Likely benign for Breast-ovarian cancer, familial, susceptibility to, 1. Last evaluated: 2023-11-20. Review status: criteria provided, single submitter. Criteria: ACMG Guidelines, 2015. Collection method: clinical testing. Allele origin: germline. Inheritance: Autosomal dominant inheritance. Observed: 2 variant alleles, 2 heterozygotes. Not counted in ClinVar's aggregate classification.
Comment: This study involves interpretation of variants in research participants for the purpose of population health screening. Participant phenotype was not available at the time of variant classification. Additional details can be found in publication PMID: 35346344, PMCID: PMC8962531

Women's Health and Genetics/Laboratory Corporation of America, LabCorp
Classification: Likely benign. Last evaluated: 2019-10-13. Review status: criteria provided, single submitter. Criteria: LabCorp Variant Classification Summary - May 2015. Collection method: clinical testing. Allele origin: germline. Not counted in ClinVar's aggregate classification.

Quest Diagnostics Nichols Institute San Juan Capistrano
Classification: Likely benign. Last evaluated: 2019-01-28. Review status: criteria provided, single submitter. Criteria: Quest Diagnostics criteria. Collection method: clinical testing. Allele origin: germline. Not counted in ClinVar's aggregate classification.

Color Diagnostics, LLC DBA Color Health
Classification: Likely benign for Hereditary cancer-predisposing syndrome. Last evaluated: 2018-05-22. Review status: criteria provided, single submitter. Criteria: ACMG Guidelines, 2015. Collection method: clinical testing. Allele origin: germline. Not counted in ClinVar's aggregate classification.

Ambry Genetics
Classification: Likely benign for Hereditary cancer-predisposing syndrome. Last evaluated: 2017-03-09. Review status: criteria provided, single submitter. Criteria: Ambry Variant Classification Scheme 2023. Collection method: clinical testing. Allele origin: germline. Not counted in ClinVar's aggregate classification.

GeneDx
Classification: Benign. Last evaluated: 2014-10-03. Review status: criteria provided, single submitter. Criteria: GeneDx Variant Classification (06012015). Collection method: clinical testing. Allele origin: germline. Affected: yes. Not counted in ClinVar's aggregate classification.
Comment: This variant is considered likely benign or benign based on one or more of the following criteria: it is a conservative change, it occurs at a poorly conserved position in the protein, it is predicted to be benign by multiple in silico algorithms, and/or has population frequency not consistent with disease.

Literature cited by the submitters: PubMed 16267036 (cited by Quest Diagnostics Nichols Institute San Juan Capistrano); PubMed 29467240 (cited by Quest Diagnostics Nichols Institute San Juan Capistrano).

NM_007294.4(BRCA1):c.2860C>T (p.Leu954=)

Gene: BRCA1 (BRCA1 DNA repair associated; minus strand). Cytogenetic location: 17q21.31.
Variant type: single nucleotide variant.
Coding change: c.2860C>T on transcript NM_007294.4 (MANE Select); coding-DNA position 2860, C replaced by T.
Protein change: p.Leu954=; no amino-acid change (leucine 954 retained).
Molecular consequence: synonymous variant. On other transcripts: intron variant (137).
Genome position (GRCh38, 1-based): chr17:43,092,671, G>A on the plus strand (C>T on the coding strand, the complement: BRCA1 is on the minus strand). VCF-style: chr17-43092671-G-A. GRCh37 (hg19) VCF-style: chr17-41244688-G-A.
Other names: p.L954L:CTA>TTA; c.2647C>T, p.Leu883= (NM_001407571.1, NM_001407853.1, NM_001407894.1 and 9 more transcripts); c.2860C>T, p.Leu954= (NM_001407581.1, NM_001407582.1, NM_001407583.1 and 30 more transcripts); c.2857C>T, p.Leu953= (NM_001407587.1, NM_001407590.1, NM_001407591.1 and 22 more transcripts); c.2851C>T, p.Leu951= (NM_001407646.1, NM_001407647.1); c.2737C>T, p.Leu913= (NM_001407648.1, NM_001407664.1, NM_001407665.1 and 19 more transcripts); c.2734C>T, p.Leu912= (NM_001407649.1, NM_001407670.1, NM_001407671.1 and 11 more transcripts); c.2782C>T, p.Leu928= (NM_001407653.1, NM_001407654.1, NM_001407655.1 and 4 more transcripts); and 42 more.
Identifiers: ClinVar variation 182093 (VCV000182093.25), dbSNP rs730881452, ClinGen allele CA001860.
Genomic context (GRCh38, chr17:43,092,671, plus strand): 5'-AAAGTCCATGTTTATTTGGAGTAATGAGTCCAGTTTCGTTGCCTCTGAACTGAGATGATA[G>A]ACAAAACCTAGAGCCTCCTTTGATACTACATTTGGCATTATCAACTGGCTTATCTTTCTG-3'
Protein context (NP_009225.1, residues 944-964): CSIKGGSRFC[Leu954=]SSQFRGNETG